The following is an entry in ClinVar:

NM_002317.7(LOX):c.497T>C (p.Met166Thr)

Genes: SRFBP1 (serum response factor binding protein 1; plus strand), LOX (lysyl oxidase; minus strand). Cytogenetic location: 5q23.1.
Variant type: single nucleotide variant.
Coding change: c.497T>C on transcript NM_002317.7 (MANE Select); coding-DNA position 497, T replaced by C.
Protein change: p.Met166Thr; replaces methionine 166 with threonine.
Molecular consequence: missense variant.
Genome position (GRCh38, 1-based): chr5:122,077,489, A>G on the plus strand (T>C on the coding strand, the complement: LOX is on the minus strand). VCF-style: chr5-122077489-A-G. GRCh37 (hg19) VCF-style: chr5-121413184-A-G.
Other names: short protein forms M166T.
Identifiers: ClinVar variation 4710008 (VCV004710008.1).

ClinVar aggregate classification (germline): Uncertain significance (1 of 4 stars; one submission).

Submission:

Labcorp Genetics (formerly Invitae), Labcorp
Classification: Uncertain significance. Last evaluated: 2025-12-17. Review status: criteria provided, single submitter. Criteria: Invitae Variant Classification Sherloc (09022015). Collection method: clinical testing. Allele origin: germline.
Comment: This sequence change replaces methionine, which is neutral and non-polar, with threonine, which is neutral and polar, at codon 166 of the LOX protein (p.Met166Thr). This variant is not present in population databases (gnomAD no frequency). This variant has not been reported in the literature in individuals affected with LOX-related conditions. Invitae Evidence Modeling of protein sequence and biophysical properties (such as structural, functional, and spatial information, amino acid conservation, physicochemical variation, residue mobility, and thermodynamic stability) has been performed for this missense variant. However, the output from this modeling did not meet the statistical confidence thresholds required to predict the impact of this variant on LOX protein function. In summary, the available evidence is currently insufficient to determine the role of this variant in disease. Therefore, it has been classified as a Variant of Uncertain Significance.